The following is an entry in ClinVar:

ClinVar aggregate classification (germline): Uncertain significance (1 of 4 stars; one submission).

Submission:

Women's Health and Genetics/Laboratory Corporation of America, LabCorp
Classification: Uncertain significance. Last evaluated: 2025-06-03. Review status: criteria provided, single submitter. Criteria: LabCorp Variant Classification Summary - May 2015. Collection method: clinical testing. Allele origin: germline.
Comment: Variant summary: F11 c.1198C>A (p.Pro400Thr) results in a non-conservative amino acid change in the encoded protein sequence. Algorithms developed to predict the effect of missense changes on protein structure and function all suggest that this variant is likely to be disruptive. The variant was absent in 251476 control chromosomes. The available data on variant occurrences in the general population are insufficient to allow any conclusion about variant significance. c.1198C>A has been observed in the presumed heterozygous state in at least 1 individual(s) affected with clinical features of mild Hereditary factor XI deficiency disease (example, Castaman_2014). These data do not allow any conclusion about variant significance. To our knowledge, no experimental evidence demonstrating an impact on protein function has been reported. The following publication has been ascertained in the context of this evaluation (PMID: 24112640). No submitters have cited clinical-significance assessments for this variant to ClinVar. Based on the evidence outlined above, the variant was classified as uncertain significance.

Literature cited by the submitters: PubMed 24112640.

NM_000128.4(F11):c.1198C>A (p.Pro400Thr)

Gene: F11 (coagulation factor XI; plus strand). Cytogenetic location: 4q35.2.
Variant type: single nucleotide variant.
Coding change: c.1198C>A on transcript NM_000128.4 (MANE Select); coding-DNA position 1198, C replaced by A.
Protein change: p.Pro400Thr; replaces proline 400 with threonine.
Molecular consequence: missense variant.
Genome position (GRCh38, 1-based): chr4:186,284,154, C>A. VCF-style: chr4-186284154-C-A. GRCh37 (hg19) VCF-style: chr4-187205308-C-A.
Other names: short protein forms P400T.
Identifiers: ClinVar variation 3907417 (VCV003907417.1).